The following is an entry in ClinVar:

NM_182493.3(MYLK3):c.1523C>A (p.Ser508Tyr)

Gene: MYLK3 (myosin light chain kinase 3; minus strand). Cytogenetic location: 16q11.2.
Variant type: single nucleotide variant.
Coding change: c.1523C>A on transcript NM_182493.3 (MANE Select); coding-DNA position 1523, C replaced by A.
Protein change: p.Ser508Tyr; replaces serine 508 with tyrosine.
Molecular consequence: missense variant.
Genome position (GRCh38, 1-based): chr16:46,730,638, G>T on the plus strand (C>A on the coding strand, the complement: MYLK3 is on the minus strand). VCF-style: chr16-46730638-G-T. GRCh37 (hg19) VCF-style: chr16-46764550-G-T.
Other names: c.500C>A, p.Ser167Tyr (NM_001308301.1); short protein forms S167Y, S508Y.
Identifiers: ClinVar variation 3675258 (VCV003675258.2).

ClinVar aggregate classification (germline): Uncertain significance (1 of 4 stars; one submission).

gnomAD v4.1: 2 of 1,613,954 alleles (0.00012%); highest among the groups gnomAD compares: African/African-American, 0.0027%; no homozygotes.

Submission:

Labcorp Genetics (formerly Invitae), Labcorp
Classification: Uncertain significance. Last evaluated: 2025-10-13. Review status: criteria provided, single submitter. Criteria: Invitae Variant Classification Sherloc (09022015). Collection method: clinical testing. Allele origin: germline.
Comment: This sequence change replaces serine, which is neutral and polar, with tyrosine, which is neutral and polar, at codon 508 of the MYLK3 protein (p.Ser508Tyr). This variant is present in population databases (no rsID available, gnomAD 0.01%). This variant has not been reported in the literature in individuals affected with MYLK3-related conditions. ClinVar contains an entry for this variant (Variation ID: 3675258). An algorithm developed to predict the effect of missense changes on protein structure and function (PolyPhen-2) suggests that this variant is likely to be disruptive. In summary, the available evidence is currently insufficient to determine the role of this variant in disease. Therefore, it has been classified as a Variant of Uncertain Significance.